The following is an entry in ClinVar:

NM_000049.4(ASPA):c.503G>A (p.Arg168His)

Genes: ASPA (aspartoacylase; plus strand), SPATA22 (spermatogenesis associated 22; minus strand). Cytogenetic location: 17p13.2.
Variant type: single nucleotide variant.
Coding change: c.503G>A on transcript NM_000049.4 (MANE Select); coding-DNA position 503, G replaced by A.
Protein change: p.Arg168His; replaces arginine 168 with histidine.
Molecular consequence: missense variant. On other transcripts: intron variant (2).
Genome position (GRCh38, 1-based): chr17:3,483,569, G>A. VCF-style: chr17-3483569-G-A. GRCh37 (hg19) VCF-style: chr17-3386863-G-A.
Other names: c.503G>A, p.Arg168His (NM_001128085.1); c.-73-14171C>T (NM_001321336.2, NM_001321337.2); short protein forms R168H.
Identifiers: ClinVar variation 550697 (VCV000550697.37), dbSNP rs770706390, ClinGen allele CA8288947.

ClinVar aggregate classification (germline): Pathogenic/Likely pathogenic. Review status: criteria provided, multiple submitters, no conflicts (2 of 4 stars). 10 submissions from 10 submitters: Pathogenic (7); Likely pathogenic (3). Last evaluated 2026-01-31.

Conditions:
Canavan Disease, Familial Form. Identifiers: MedGen C0751663.
Spongy degeneration of central nervous system. Also called: Canavan disease; Von Bogaert-Bertrand disease; ACY2 DEFICIENCY; AMINOACYLASE 2 DEFICIENCY; ASP DEFICIENCY; ASPA DEFICIENCY. Identifiers: Orphanet 141, MedGen C0206307, MONDO:0010079, OMIM 271900.

Allele frequency attached by ClinVar (database versions not stated): gnomAD exomes 0.00005 and 0.00003; gnomAD 0.00001 and 0.00002; TOPMed 0.00002; ExAC 0.00010.
gnomAD v4.1: 53 of 1,613,668 alleles (0.0033%); highest among the groups gnomAD compares: Non-Finnish European, 0.0037%; no homozygotes.

Submissions (10):

Labcorp Genetics (formerly Invitae), Labcorp
Classification: Pathogenic for Spongy degeneration of central nervous system. Last evaluated: 2026-01-31. Review status: criteria provided, single submitter. Criteria: Invitae Variant Classification Sherloc (09022015). Collection method: clinical testing. Allele origin: germline.
Comment: This sequence change replaces arginine, which is basic and polar, with histidine, which is basic and polar, at codon 168 of the ASPA protein (p.Arg168His). This variant is present in population databases (rs770706390, gnomAD 0.009%). This missense change has been observed in individuals with Canavan disease (PMID: 10909858, 21520333, 28101991). ClinVar contains an entry for this variant (Variation ID: 550697). Invitae Evidence Modeling of protein sequence and biophysical properties (such as structural, functional, and spatial information, amino acid conservation, physicochemical variation, residue mobility, and thermodynamic stability) indicates that this missense variant is expected to disrupt ASPA protein function with a positive predictive value of 95%. Experimental studies have shown that this missense change affects ASPA function (PMID: 22750302). This variant disrupts the p.Arg168 amino acid residue in ASPA. Other variant(s) that disrupt this residue have been determined to be pathogenic (PMID: 8659549, 16854607). This suggests that this residue is clinically significant, and that variants that disrupt this residue are likely to be disease-causing. For these reasons, this variant has been classified as Pathogenic.

Natera, Inc.
Classification: Pathogenic for Canavan Disease. Last evaluated: 2025-11-05. Review status: criteria provided, single submitter. Criteria: Natera Variant Classification Schema (03/2026). Collection method: clinical testing. Allele origin: germline.
Comment: The c.503G>A variant in ASPA is a missense variant predicted to cause substitution of arginine to histidine at amino acid 168. This variant is rare in the general population with a frequency below the threshold expected for the associated phenotype(s). This variant has been observed in one or more individuals affected with the associated recessive disease, as either homozygous or compound heterozygous with a second variant (PMID: 36801247, 10909858, 28101991, 39628365). Functional studies show that this variant may disrupt protein function (PMID: 22750302). A different variant at the same position has been determined to be Pathogenic or Likely Pathogenic. Computational prediction algorithms indicate this variant is likely to affect gene or protein function. Given the available evidence, this variant is classified as Pathogenic.

Fulgent Genetics
Classification: Pathogenic for Spongy degeneration of central nervous system. Last evaluated: 2024-06-23. Review status: criteria provided, single submitter. Criteria: ACMG Guidelines, 2015. Collection method: clinical testing. Allele origin: germline.

Institute of Medical Genetics and Applied Genomics, University Hospital Tübingen
Classification: Pathogenic for Spongy degeneration of central nervous system. Last evaluated: 2023-04-05. Review status: criteria provided, single submitter. Criteria: ACMG Guidelines, 2015. Collection method: clinical testing. Allele origin: germline. Inheritance: Autosomal recessive inheritance. Affected: yes.

Women's Health and Genetics/Laboratory Corporation of America, LabCorp
Classification: Pathogenic for Canavan Disease, Familial Form. Last evaluated: 2022-11-10. Review status: criteria provided, single submitter. Criteria: LabCorp Variant Classification Summary - May 2015. Collection method: clinical testing. Allele origin: germline.
Comment: Variant summary: ASPA c.503G>A (p.Arg168His) results in a non-conservative amino acid change in the encoded protein sequence. Four of five in-silico tools predict a damaging effect of the variant on protein function. The variant allele was found at a frequency of 5.2e-05 in 251402 control chromosomes. This frequency is not higher than expected for a pathogenic variant in ASPA causing Canavan Disease (5.2e-05 vs 0.0079), allowing no conclusion about variant significance. c.503G>A has been reported in the literature in individuals affected with Canavan Disease in the homozygous and heterozygous state (Sistermans_2000, Mendes_2017). These data indicate that the variant is likely to be associated with disease. The variant has been reported to have loss of ASPA activity in transfected HEK293 cells (Sommer_2012) . Six clinical diagnostic laboratories have submitted clinical-significance assessments for this variant to ClinVar after 2014 and classified the variant as pathogenic (n=2) and likely pathogenic (n=4). Based on the evidence outlined above, the variant was classified as pathogenic.

Genome-Nilou Lab
Classification: Likely pathogenic for Spongy degeneration of central nervous system. Last evaluated: 2021-11-07. Review status: criteria provided, single submitter. Criteria: ACMG Guidelines, 2015. Collection method: clinical testing. Allele origin: germline. Affected: no.

Myriad Genetics, Inc.
Classification: Likely pathogenic for Spongy degeneration of central nervous system. Last evaluated: 2021-11-03. Review status: criteria provided, single submitter. Criteria: Myriad Women's Health Autosomal Recessive and X-Linked Classification Criteria (2021). Collection method: clinical testing. Allele origin: unknown.
Comment: NM_000049.2(ASPA):c.503G>A(R168H) is a missense variant classified as likely pathogenic in the context of Canavan disease. R168H has been observed in cases with relevant disease (PMID: 10909858, 23971085, 28101991). Functional assessments of this variant are available in the literature (PMID: 22750302). Internal structural analysis of the variant is supportive of pathogenicity. R168H has been observed in population frequency databases (gnomAD: NFE 0.01%). In summary, NM_000049.2(ASPA):c.503G>A(R168H) is a missense variant that has internal structural support for pathogenicity and has been observed more frequently in cases with the relevant disease than in healthy populations. Please note: this variant was assessed in the context of healthy population screening.

Revvity Omics, Revvity
Classification: Likely pathogenic for Spongy degeneration of central nervous system. Last evaluated: 2021-03-02. Review status: criteria provided, single submitter. Criteria: ACMG Guidelines, 2015. Collection method: clinical testing. Allele origin: germline.

Lifecell International Pvt. Ltd
Classification: Pathogenic for Spongy degeneration of central nervous system. Review status: criteria provided, single submitter. Criteria: ACMG Guidelines, 2015. Collection method: clinical testing. Allele origin: germline. Inheritance: Autosomal recessive inheritance. Affected: yes. Observed: 1 homozygote.
Comment: A Homozygote Missense variant c.503G>A in Exon 3 of the ASPA gene that results in the amino acid substitution p.Arg168His was identified. The observed variant has a minor allele frequency of 0.00005% in gnomAD exomes and is novel in genomes. The severity of the impact of this variant on the protein is medium, based on the effect of the protein and REVEL score . Rare Exome Variant Ensemble Learner (REVEL) is an ensembl method for predicting the pathogenicity of missense variants based on a combination of scores from 13 individual tools: MutPred, FATHMM v2.3, VEST 3.0, PolyPhen-2, SIFT, PROVEAN, MutationAssessor, MutationTaster, LRT, GERP++, SiPhy, phyloP, and phastCons. The REVEL score for an individual missense variant can range from 0 to 1, with higher scores reflecting greater likelihood that the variant is disease-causing. ClinVar has also classified this variant as Pathogenic [Variant ID : 550697]. The observed variation has previously been reported for Canavan disease by Mendes, Marisa I., et al., 2017. Functional assessments proves the pathogenicity of the variant by Sommer, Anke, and Jörn Oliver Sass. , 2012. For these reasons this variant has been classified as Pathogenic.

Neuberg Centre For Genomic Medicine, NCGM
Classification: Pathogenic for Spongy degeneration of central nervous system. Review status: criteria provided, single submitter. Criteria: ACMG Guidelines, 2015. Collection method: clinical testing. Allele origin: germline. Affected: yes.
Comment: The missense variant p.R168H in ASPA (NM_000049.2) has been observed in several individuals affected with Canavan disease (E A Sistermans et al, 2000; Marisa I Mendes et al, 2017). This variant has been reported to affect ASPA protein function (A Sommer et al, 2012). This missense has been submitted to ClinVar as Pathogenic/Likely Pathogenic. The p.R168H variant is observed as heterozygous in 13 (0.005%) alleles from individuals of all background in gnomAD Exomes and is novel (not in any individuals) in 1000 Genomes. The p.R168H missense variant is predicted to be damaging by both SIFT and PolyPhen2. The nucleotide c.503 in ASPA is predicted conserved by GERP++ and PhyloP across 100 vertebrates. For these reasons, this variant has been classified as Pathogenic.

Literature cited by the submitters: PubMed 10909858 (cited by 4 submitters); PubMed 21520333 (cited by Labcorp Genetics (formerly Invitae), Labcorp); PubMed 28101991 (cited by 4 submitters); PubMed 22750302 (cited by 5 submitters); PubMed 8659549 (cited by Labcorp Genetics (formerly Invitae), Labcorp); PubMed 16854607 (cited by Labcorp Genetics (formerly Invitae), Labcorp); PubMed 36801247 (cited by Natera, Inc.); PubMed 39628365 (cited by Natera, Inc.); PubMed 23971085 (cited by Myriad Genetics, Inc.).